The following is an entry in ClinVar:

ClinVar aggregate classification (germline): Likely pathogenic (1 of 4 stars; one submission).

Conditions:
Fetal anomalies with a likely genetic cause.

Submission:

Genetics Laboratory, Great Ormond Street Hospital NHS Foundation Trust, North Thames Genomic Laboratory Hub
Classification: Likely pathogenic for Fetal anomalies with a likely genetic cause. Last evaluated: 2026-08-24. Review status: criteria provided, single submitter. Criteria: ACGS Best Practice Guidelines for Variant Classification in Rare Disease 2024 v1.2. Collection method: clinical testing. Allele origin: germline. Affected: yes.
Comment: PM2_moderate, PVS1_strong, PS2_supporting

NM_000346.4(SOX9):c.1049del (p.Pro350fs)

Gene: SOX9 (SRY-box transcription factor 9; plus strand). Cytogenetic location: 17q24.3.
Variant type: Deletion.
Coding change: c.1049del on transcript NM_000346.4 (MANE Select); coding-DNA position 1049, one base deleted (C; older notation c.1049delC).
Protein change: p.Pro350fs; shifts the reading frame from proline 350.
Molecular consequence: frameshift variant.
Genome position (GRCh38, 1-based): chr17:72,123,906, C deleted; the last of 5 consecutive C bases (chr17:72,123,902-72,123,906); deleting any one gives the same sequence. VCF-style (leftmost placement, unchanged base first): chr17-72123901-GC-G. GRCh37 (hg19) VCF-style: chr17-70120042-GC-G.
Other names: short protein forms P350fs.
Identifiers: ClinVar variation 5021461 (VCV005021461.1).